The following is an entry in ClinVar:

NM_016373.4(WWOX):c.409+1G>C

Gene: WWOX (WW domain containing oxidoreductase; plus strand). Cytogenetic location: 16q23.1.
Variant type: single nucleotide variant.
Coding change: c.409+1G>C on transcript NM_016373.4 (MANE Select); the canonical splice donor site of the intron after coding-DNA position 409, G replaced by C.
Molecular consequence: splice donor variant.
Genome position (GRCh38, 1-based): chr16:78,115,155, G>C. VCF-style: chr16-78115155-G-C. GRCh37 (hg19) VCF-style: chr16-78149052-G-C.
Other names: c.70+1G>C (NM_001291997.2); c.409+1G>C (NM_130791.5).
Identifiers: ClinVar variation 410092 (VCV000410092.11), dbSNP rs1060502727, ClinGen allele CA16614998.
Genomic context (GRCh38, chr16:78,115,155, plus strand): 5'-TCCAGGGCCGGGATTTCACTGGCAAAGTGGTTGTGGTCACTGGAGCTAATTCAGGAATAG[G>C]TAGGCTCTTCACTTAGTTATTTATCTTTGGGACTGCTATAATGAGATCCACTTAGATCTA-3'

ClinVar aggregate classification (germline): Pathogenic/Likely pathogenic. Review status: criteria provided, multiple submitters, no conflicts (2 of 4 stars). 3 submissions from 3 submitters: Pathogenic (2); Likely pathogenic (1). Last evaluated 2025-01-06.

Conditions:
Autosomal recessive spinocerebellar ataxia 12. Also called: SPINOCEREBELLAR ATAXIA WITH MENTAL RETARDATION AND EPILEPSY. Identifiers: Orphanet 284282, MedGen C3280452, MONDO:0013687, OMIM 614322.
Developmental and epileptic encephalopathy, 1 (DEE1). Also called: X-linked infantile spasms; West's syndrome; Tonic spasms with clustering, arrest of psychomotor development and hypsarrhythmia on EEG; X-Linked Infantile Spasm Syndrome; Epileptic encephalopathy, early infantile, 1; OHTAHARA SYNDROME, X-LINKED. Identifiers: MedGen C3463992, MONDO:0010632, OMIM 308350. Disease mechanism: loss of function.
Developmental and epileptic encephalopathy, 28 (DEE28). Also called: Epileptic encephalopathy, early infantile, 28. Identifiers: Orphanet 442835, MedGen C4015519, MONDO:0014533, OMIM 616211.

Allele frequency attached by ClinVar (database versions not stated): gnomAD exomes below 0.00001; TOPMed below 0.00001.
gnomAD v4.1: 7 of 1,614,170 alleles (0.00043%); highest among the groups gnomAD compares: Non-Finnish European, 0.00051%; no homozygotes.

Submissions (3):

Labcorp Genetics (formerly Invitae), Labcorp
Classification: Pathogenic for Developmental and epileptic encephalopathy, 1; Autosomal recessive spinocerebellar ataxia 12. Last evaluated: 2025-01-06. Review status: criteria provided, single submitter. Criteria: Invitae Variant Classification Sherloc (09022015). Collection method: clinical testing. Allele origin: germline.
Comment: This sequence change affects a donor splice site in intron 4 of the WWOX gene. It is expected to disrupt RNA splicing. Variants that disrupt the donor or acceptor splice site typically lead to a loss of protein function (PMID: 16199547), and loss-of-function variants in WWOX are known to be pathogenic (PMID: 24456803, 25411445). This variant is present in population databases (no rsID available, gnomAD 0.0009%). Disruption of this splice site has been observed in individuals with WWOX- related conditions (PMID: 27848944, 30746283). ClinVar contains an entry for this variant (Variation ID: 410092). Algorithms developed to predict the effect of sequence changes on RNA splicing suggest that this variant may disrupt the consensus splice site. For these reasons, this variant has been classified as Pathogenic.

Kids Research, The Children's Hospital at Westmead
Classification: Pathogenic for Developmental and epileptic encephalopathy, 28. Last evaluated: 2024-09-20. Review status: criteria provided, single submitter. Criteria: ACMG Guidelines, 2015. Collection method: research. Allele origin: germline. Affected: yes.
Comment: PVS1, PM2, PS1

Illumina Laboratory Services, Illumina
Classification: Likely pathogenic for Developmental and epileptic encephalopathy, 28. Last evaluated: 2021-11-03. Review status: criteria provided, single submitter. Criteria: ICSLVariantClassificationCriteria RUGD 01 April 2020. Collection method: clinical testing. Allele origin: unknown.
Comment: The WWOX c.409+1G>C variant occurs in a canonical splice site (donor) and is therefore predicted to disrupt the normal gene product. The c.409+1G>C variant has not been reported before, but c.409+1G>T has been reported in a homozygous state in a proband affected with seizures, global developmental delay, microcephaly, subtle dysmorphic features, kyphosis with short clavicles, scoliosis, occasional horizontal nystagmus, spasticity in both upper and lower limbs with decreased deep tendon reflexes, axial hypotonia, brain atrophy and increased white matter signal in cerebellar area (Ehaideb et al. 2018). The c.409+1G>C variant is present at a frequency of 0.000009 in the European (Non-Finnish) population of the Genome Aggregation Database version 2.1.1, though this is based on one allele in a region of good sequence coverage so the variant is presumed to be rare. Based on the available evidence, the c.409+1G>C variant is classified as likely pathogenic for WWOX-related developmental and epileptic encephalopathy.

Literature cited by the submitters: PubMed 16199547 (cited by Labcorp Genetics (formerly Invitae), Labcorp); PubMed 24456803 (cited by Labcorp Genetics (formerly Invitae), Labcorp); PubMed 25411445 (cited by Labcorp Genetics (formerly Invitae), Labcorp); PubMed 27848944 (cited by Labcorp Genetics (formerly Invitae), Labcorp); PubMed 30746283 (cited by Labcorp Genetics (formerly Invitae), Labcorp and Illumina Laboratory Services, Illumina).